The following is an entry in ClinVar:

ClinVar aggregate classification (germline): Benign/Likely benign. Review status: criteria provided, multiple submitters, no conflicts (2 of 4 stars). 4 submissions from 4 submitters: Benign (1); Likely benign (2). 1 of the submissions does not count toward it. Last evaluated 2026-01-05.

Conditions:
IREB2-related disorder. Also called: IREB2-related condition.

Allele frequency attached by ClinVar (database versions not stated): ExAC 0.00129; 1000 Genomes Project 0.00140; 1000 Genomes Project 30x 0.00156; gnomAD 0.00165; ESP Exome Variant Server 0.00177; TOPMed 0.00182.
gnomAD v4.1: 3,377 of 1,612,030 alleles (0.21%); highest among the groups gnomAD compares: Non-Finnish European, 0.26%; 7 homozygotes.

Submissions (4):

Labcorp Genetics (formerly Invitae), Labcorp
Classification: Benign. Last evaluated: 2026-01-05. Review status: criteria provided, single submitter. Criteria: Invitae Variant Classification Sherloc (09022015). Collection method: clinical testing. Allele origin: germline.

Blueprint Genetics
Classification: Likely benign. Last evaluated: 2024-11-21. Review status: criteria provided, single submitter. Criteria: ACMG Guidelines, 2015. Collection method: clinical testing. Allele origin: germline.

CeGaT Center for Human Genetics Tuebingen
Classification: Likely benign. Last evaluated: 2023-10-01. Review status: criteria provided, single submitter. Criteria: CeGaT Center For Human Genetics Tuebingen Variant Classification Criteria Version 2. Collection method: clinical testing. Allele origin: germline. Affected: yes. Observed: 2 variant alleles.
Comment: IREB2: BP4, BP7, BS2

PreventionGenetics, part of Exact Sciences
Classification: Likely benign for IREB2-related condition. Last evaluated: 2019-12-24. Review status: no assertion criteria provided. Collection method: clinical testing. Allele origin: germline. Not counted in ClinVar's aggregate classification.
Comment: This variant is classified as likely benign based on ACMG/AMP sequence variant interpretation guidelines (Richards et al. 2015 PMID: 25741868, with internal and published modifications).

NM_004136.4(IREB2):c.1215C>T (p.Leu405=)

Gene: IREB2 (iron responsive element binding protein 2; plus strand). Cytogenetic location: 15q25.1.
Variant type: single nucleotide variant.
Coding change: c.1215C>T on transcript NM_004136.4 (MANE Select); coding-DNA position 1215, C replaced by T.
Protein change: p.Leu405=; no amino-acid change (leucine 405 retained).
Molecular consequence: synonymous variant.
Genome position (GRCh38, 1-based): chr15:78,478,316, C>T. VCF-style: chr15-78478316-C-T. GRCh37 (hg19) VCF-style: chr15-78770658-C-T.
Other names: c.465C>T, p.Leu155= (NM_001320941.2); c.1044C>T, p.Leu348= (NM_001320942.2, NM_001354994.2); c.1215C>T (NM_004136.3).
Identifiers: ClinVar variation 2049344 (VCV002049344.30), dbSNP rs147732146, ClinGen allele CA7682916.
Genomic context (GRCh38, chr15:78,478,316, plus strand): 5'-TTTCTCACTGCATTTTGTTGTTTTGTTCATCTTCGTTTTAGGTTTTAGCAAAGCCAAACT[C>T]GAATCAATGGAAACATACCTTAAAGCTGTGAAATTGTTTCGAAATGACCAGAATTCTTCA-3'
Protein context (NP_004127.2, residues 395-415): LEHTGFSKAK[Leu405=]ESMETYLKAV